The following is an entry in ClinVar:

NM_007194.4(CHEK2):c.411A>C (p.Arg137=)

Gene: CHEK2 (checkpoint kinase 2; minus strand). Cytogenetic location: 22q12.1.
Variant type: single nucleotide variant.
Coding change: c.411A>C on transcript NM_007194.4 (MANE Select); coding-DNA position 411, A replaced by C.
Protein change: p.Arg137=; no amino-acid change (arginine 137 retained).
Molecular consequence: synonymous variant.
Genome position (GRCh38, 1-based): chr22:28,725,276, T>G on the plus strand (A>C on the coding strand, the complement: CHEK2 is on the minus strand). VCF-style: chr22-28725276-T-G. GRCh37 (hg19) VCF-style: chr22-29121264-T-G.
Other names: c.540A>C, p.Arg180= (NM_001005735.3); c.-367A>C (NM_001257387.3); c.411A>C, p.Arg137= (NM_001349956.3, NM_145862.3).
Identifiers: ClinVar variation 415931 (VCV000415931.20), dbSNP rs1060504695, ClinGen allele CA16616344.

ClinVar aggregate classification (germline): Benign/Likely benign. Review status: criteria provided, multiple submitters, no conflicts (2 of 4 stars). 4 submissions from 4 submitters: Benign (1); Likely benign (3). Last evaluated 2025-07-05.

Conditions:
Hereditary cancer-predisposing syndrome. Also called: Tumor predisposition; Neoplastic Syndromes, Hereditary; Hereditary neoplastic syndrome; Hereditary Cancer Syndrome. Identifiers: Orphanet 140162, MedGen C0027672, MeSH D009386, MONDO:0015356.
Familial cancer of breast. Also called: Hereditary breast cancer; BREAST CANCER, FAMILIAL; hereditary breast carcinoma. Identifiers: Orphanet 227535, MedGen C0346153, MONDO:0016419, OMIM 114480. Disease mechanism: loss of function.

Submissions (4):

Labcorp Genetics (formerly Invitae), Labcorp
Classification: Likely benign for Familial cancer of breast. Last evaluated: 2025-07-05. Review status: criteria provided, single submitter. Criteria: Invitae Variant Classification Sherloc (09022015). Collection method: clinical testing. Allele origin: germline.

Myriad Genetics, Inc.
Classification: Benign for Familial cancer of breast. Last evaluated: 2024-10-02. Review status: criteria provided, single submitter. Criteria: Myriad Autosomal Dominant, Autosomal Recessive and X-Linked Classification Criteria (2023). Collection method: clinical testing. Allele origin: unknown.
Comment: This variant is considered benign. This variant is a silent/synonymous amino acid change and it is not expected to impact splicing.

GeneDx
Classification: Likely benign. Last evaluated: 2020-02-17. Review status: criteria provided, single submitter. Criteria: GeneDx Variant Classification Process June 2021. Collection method: clinical testing. Allele origin: germline. Affected: yes.

Ambry Genetics
Classification: Likely benign for Hereditary cancer-predisposing syndrome. Last evaluated: 2016-09-21. Review status: criteria provided, single submitter. Criteria: Ambry Variant Classification Scheme 2023. Collection method: clinical testing. Allele origin: germline.